The following is an entry in ClinVar:

ClinVar aggregate classification (germline): Conflicting classifications of pathogenicity. Review status: criteria provided, conflicting classifications (1 of 4 stars). 12 submissions from 11 submitters: Uncertain significance (1); Likely benign (7). 4 of the submissions do not count toward it. Last evaluated 2026-01-17.

Conditions:
NOD2-related disorder. Also called: NOD2-related condition.
Inflammatory bowel disease 1 (IBD1). Also called: Inflammatory bowel disease 1, Crohn disease; INFLAMMATORY BOWEL DISEASE (CROHN DISEASE) 1. Identifiers: MedGen CN260071, MONDO:0009960, OMIM 266600.
Autoinflammatory syndrome. Identifiers: Orphanet 93665, MedGen C3890737, MONDO:0019751.
Blau syndrome (BLAUS). Also called: GRANULOMATOSIS, FAMILIAL JUVENILE SYSTEMIC; GRANULOMATOSIS, FAMILIAL, BLAU TYPE; GRANULOMATOUS INFLAMMATORY ARTHRITIS, DERMATITIS, AND UVEITIS, FAMILIAL; JABS SYNDROME; ARTHROCUTANEOUVEAL GRANULOMATOSIS. Identifiers: Orphanet 90340, MedGen C5201146, MONDO:0008523, OMIM 186580.
Regional enteritis. Also called: Enteritis, Granulomatous. Identifiers: MedGen C0678202, MeSH D003424.

Allele frequency attached by ClinVar (database versions not stated): ESP Exome Variant Server 0.00054; gnomAD exomes 0.00058; 1000 Genomes Project 0.00060; 1000 Genomes Project 30x 0.00078; TOPMed 0.00087; ExAC 0.00040; gnomAD 0.00048 and 0.00051.
gnomAD v4.1: 718 of 1,614,204 alleles (0.044%); highest among the groups gnomAD compares: Middle Eastern, 0.38%; 3 homozygotes.

Submissions (12):

Labcorp Genetics (formerly Invitae), Labcorp
Classification: Likely benign for Regional enteritis; Blau syndrome. Last evaluated: 2026-01-17. Review status: criteria provided, single submitter. Criteria: Invitae Variant Classification Sherloc (09022015). Collection method: clinical testing. Allele origin: germline.

CeGaT Center for Human Genetics Tuebingen
Classification: Likely benign. Last evaluated: 2025-08-01. Review status: criteria provided, single submitter. Criteria: CeGaT Center For Human Genetics Tuebingen Variant Classification Criteria Version 2. Collection method: clinical testing. Allele origin: germline. Affected: yes. Observed: 1 variant allele.
Comment: NOD2: BS1

Blueprint Genetics
Classification: Likely benign. Last evaluated: 2024-11-20. Review status: criteria provided, single submitter. Criteria: ACMG Guidelines, 2015. Collection method: clinical testing. Allele origin: germline.

ARUP Laboratories, Molecular Genetics and Genomics, ARUP Laboratories
Classification: Likely benign. Last evaluated: 2023-11-08. Review status: criteria provided, single submitter. Criteria: ARUP Molecular Germline Variant Investigation Process 2024. Collection method: clinical testing. Allele origin: germline.

Mayo Clinic Laboratories, Mayo Clinic
Classification: Uncertain significance. Last evaluated: 2022-09-30. Review status: criteria provided, single submitter. Criteria: ACMG Guidelines, 2015. Collection method: clinical testing. Allele origin: germline. Observed: 2 variant alleles.
Comment: BS1

Genome Diagnostics Laboratory, The Hospital for Sick Children
Classification: Likely benign for Autoinflammatory syndrome. Last evaluated: 2021-06-11. Review status: criteria provided, single submitter. Criteria: ACMG Guidelines, 2015. Collection method: clinical testing. Allele origin: germline. Affected: yes.

Illumina Laboratory Services, Illumina
Classification: Likely benign for Inflammatory bowel disease 1. Last evaluated: 2017-04-28. Review status: criteria provided, single submitter. Criteria: ICSL Variant Classification Criteria 13 December 2019. Collection method: clinical testing. Allele origin: germline.
Comment: This variant was observed as part of a predisposition screen in an ostensibly healthy population. A literature search was performed for the gene, cDNA change, and amino acid change (where applicable). Publications were found based on this search. The evidence from the literature, in combination with allele frequency data from public databases where available, was sufficient to determine this variant is unlikely to cause disease. Therefore, this variant is classified as likely benign.

Illumina Laboratory Services, Illumina
Classification: Likely benign for Blau syndrome. Last evaluated: 2017-04-28. Review status: criteria provided, single submitter. Criteria: ICSL Variant Classification Criteria 13 December 2019. Collection method: clinical testing. Allele origin: germline.
Comment: This variant was observed as part of a predisposition screen in an ostensibly healthy population. A literature search was performed for the gene, cDNA change, and amino acid change (where applicable). No publications were found based on this search. Allele frequency data from public databases allowed determination this variant is unlikely to cause disease. Therefore, this variant is classified as likely benign.

PreventionGenetics, part of Exact Sciences
Classification: Likely benign for NOD2-related condition. Last evaluated: 2020-06-12. Review status: no assertion criteria provided. Collection method: clinical testing. Allele origin: germline. Not counted in ClinVar's aggregate classification.
Comment: This variant is classified as likely benign based on ACMG/AMP sequence variant interpretation guidelines (Richards et al. 2015 PMID: 25741868, with internal and published modifications).

Clinical Genetics DNA and cytogenetics Diagnostics Lab, Erasmus MC, Erasmus Medical Center
Classification: Likely benign. Review status: no assertion criteria provided. Collection method: clinical testing. Allele origin: germline. Affected: yes. Study: VKGL Data-share Consensus. Not counted in ClinVar's aggregate classification.

Diagnostic Laboratory, Department of Genetics, University Medical Center Groningen
Classification: Likely benign. Review status: no assertion criteria provided. Collection method: clinical testing. Allele origin: germline. Affected: yes. Study: VKGL Data-share Consensus. Not counted in ClinVar's aggregate classification.

Unité médicale des maladies autoinflammatoires, CHRU Montpellier
No classification provided. Condition: Sarcoidosis, early-onset. Review status: no classification provided. Collection method: not provided. Allele origin: unknown. Not counted in ClinVar's aggregate classification.
Comment: also involved in OMIM 186580 and 266600

Literature cited by the submitters: PubMed 31681265 (cited by Mayo Clinic Laboratories, Mayo Clinic); PubMed 15024686 (cited by Illumina Laboratory Services, Illumina); PubMed 22319155 (cited by Illumina Laboratory Services, Illumina); PubMed 11875755 (cited by Illumina Laboratory Services, Illumina); PubMed 15712650 (cited by Illumina Laboratory Services, Illumina).

NM_001370466.1(NOD2):c.2672C>A (p.Ala891Asp)

Gene: NOD2 (nucleotide binding oligomerization domain containing 2; plus strand). Cytogenetic location: 16q12.1.
Variant type: single nucleotide variant.
Coding change: c.2672C>A on transcript NM_001370466.1 (MANE Select); coding-DNA position 2672, C replaced by A.
Protein change: p.Ala891Asp; replaces alanine 891 with aspartic acid.
Molecular consequence: missense variant. On other transcripts: non-coding transcript variant (1).
Genome position (GRCh38, 1-based): chr16:50,722,660, C>A. VCF-style: chr16-50722660-C-A. GRCh37 (hg19) VCF-style: chr16-50756571-C-A.
Other names: c.2672C>A, p.Ala891Asp (NM_001293557.2); c.2753C>A, p.Ala918Asp (NM_022162.3); c.2753C>A (LRG_177t1); short protein forms A918D, A891D.
Identifiers: ClinVar variation 97866 (VCV000097866.41), dbSNP rs104895452, ClinGen allele CA150302.